The following is an entry in ClinVar:

NM_181507.2(HPS5):c.3346A>G (p.Met1116Val)

Gene: HPS5 (HPS5 biogenesis of lysosomal organelles complex 2 subunit 2; minus strand). Cytogenetic location: 11p15.1.
Variant type: single nucleotide variant.
Coding change: c.3346A>G on transcript NM_181507.2 (MANE Select); coding-DNA position 3346, A replaced by G.
Protein change: p.Met1116Val; replaces methionine 1116 with valine.
Molecular consequence: missense variant.
Genome position (GRCh38, 1-based): chr11:18,279,926, T>C on the plus strand (A>G on the coding strand, the complement: HPS5 is on the minus strand). VCF-style: chr11-18279926-T-C. GRCh37 (hg19) VCF-style: chr11-18301473-T-C.
Other names: c.3004A>G, p.Met1002Val (NM_007216.4, NM_181508.2); short protein forms M1002V, M1116V.
Identifiers: ClinVar variation 1722484 (VCV001722484.2), dbSNP rs1858642657, ClinGen allele CA379509162.

ClinVar aggregate classification (germline): Uncertain significance (1 of 4 stars; one submission).

Allele frequency attached by ClinVar (database versions not stated): gnomAD exomes below 0.00001; TOPMed 0.00001.

Submission:

Women's Health and Genetics/Laboratory Corporation of America, LabCorp
Classification: Uncertain significance. Last evaluated: 2024-10-16. Review status: criteria provided, single submitter. Criteria: LabCorp Variant Classification Summary - May 2015. Collection method: clinical testing. Allele origin: germline.
Comment: Variant summary: HPS5 c.3346A>G (p.Met1116Val) results in a conservative amino acid change in the encoded protein sequence. Three of five in-silico tools predict a damaging effect of the variant on protein function. The variant was absent in 251204 control chromosomes. The available data on variant occurrences in the general population are insufficient to allow any conclusion about variant significance. c.3346A>G has been reported in the literature as a compound heterozygous genotype in an individual affected with ocular albinism, suspected of Hermansky-Pudlak Syndrome (Wei_2016). These report(s) do not provide unequivocal conclusions about association of the variant with Hermansky-Pudlak Syndrome. To our knowledge, no experimental evidence demonstrating an impact on protein function has been reported. The following publication have been ascertained in the context of this evaluation (PMID: 27593200). ClinVar contains an entry for this variant (Variation ID: 1722484). Based on the evidence outlined above, the variant was classified as uncertain significance.

Literature cited by the submitters: PubMed 27593200.